The following is an entry in ClinVar:

NM_001458.5(FLNC):c.1670del (p.Pro557fs)

Gene: FLNC (filamin C; plus strand). Cytogenetic location: 7q32.1.
Variant type: Deletion.
Coding change: c.1670del on transcript NM_001458.5 (MANE Select); coding-DNA position 1670, one base deleted (C; older notation c.1670delC).
Protein change: p.Pro557fs; shifts the reading frame from proline 557.
Molecular consequence: frameshift variant.
Genome position (GRCh38, 1-based): chr7:128,840,668, C deleted; the last of 3 consecutive C bases (chr7:128,840,666-128,840,668); deleting any one gives the same sequence. VCF-style (leftmost placement, unchanged base first): chr7-128840665-TC-T. GRCh37 (hg19) VCF-style: chr7-128480719-TC-T.
Other names: c.1670del, p.Pro557fs (NM_001127487.2); short protein forms P557fs.
Identifiers: ClinVar variation 1071490 (VCV001071490.7), dbSNP rs2128935054, ClinGen allele CA2499218721.

ClinVar aggregate classification (germline): Pathogenic (1 of 4 stars; one submission).

Conditions:
Myofibrillar myopathy 5. Also called: FILAMINOPATHY, AUTOSOMAL DOMINANT; Filaminopathy (type). Identifiers: Orphanet 171445, MedGen C1836050, MONDO:0012289, OMIM 609524.
Distal myopathy with posterior leg and anterior hand involvement. Also called: WILLIAMS DISTAL MYOPATHY. Identifiers: Orphanet 63273, MedGen C3279722, MONDO:0013550, OMIM 614065.
Hypertrophic cardiomyopathy 26. Also called: Cardiomyopathy, familial hypertrophic, 26. Identifiers: Orphanet 75249, MedGen C4310749, MONDO:0014883, OMIM 617047.

Submission:

Labcorp Genetics (formerly Invitae), Labcorp
Classification: Pathogenic for Distal myopathy with posterior leg and anterior hand involvement; Myofibrillar myopathy 5; Hypertrophic cardiomyopathy 26. Last evaluated: 2021-09-29. Review status: criteria provided, single submitter. Criteria: Invitae Variant Classification Sherloc (09022015). Collection method: clinical testing. Allele origin: germline.
Comment: For these reasons, this variant has been classified as Pathogenic. ClinVar contains an entry for this variant (Variation ID: 1071490). This variant has not been reported in the literature in individuals affected with FLNC-related conditions. This variant is not present in population databases (ExAC no frequency). This sequence change creates a premature translational stop signal (p.Pro557Leufs*9) in the FLNC gene. It is expected to result in an absent or disrupted protein product. Loss-of-function variants in FLNC are known to be pathogenic (PMID: 27908349).

Literature cited by the submitters: PubMed 27908349.